The following is an entry in ClinVar:

ClinVar aggregate classification (germline): Benign/Likely benign. Review status: criteria provided, multiple submitters, no conflicts (2 of 4 stars). 4 submissions from 4 submitters: Benign (1); Likely benign (3). Last evaluated 2026-07-01.

Conditions:
Sessile serrated polyposis cancer syndrome (SSPCS). Identifiers: Orphanet 157798, MedGen C4310714, MONDO:0014919, OMIM 617108.
Hyperplastic polyposis syndrome. Identifiers: Orphanet 157798, MedGen C4296896, MONDO:0015524.

Allele frequency attached by ClinVar (database versions not stated): gnomAD exomes 0.00002; gnomAD 0.00001; TOPMed 0.00002; ExAC 0.00010.
gnomAD v4.1: 5 of 1,561,590 alleles (0.00032%); highest among the groups gnomAD compares: Admixed American, 0.0056%; no homozygotes.

Submissions (4):

Myriad Genetics, Inc.
Classification: Benign for Sessile serrated polyposis cancer syndrome. Last evaluated: 2026-07-01. Review status: criteria provided, single submitter. Criteria: Myriad Autosomal Dominant, Autosomal Recessive and X-Linked Classification Criteria (2023). Collection method: clinical testing. Allele origin: unknown.
Comment: This variant is considered benign. This variant is a silent/synonymous amino acid change and it is not expected to impact splicing.

Ambry Genetics
Classification: Likely benign. Last evaluated: 2025-01-08. Review status: criteria provided, single submitter. Criteria: Ambry Variant Classification Scheme 2023. Collection method: clinical testing. Allele origin: germline.

Labcorp Genetics (formerly Invitae), Labcorp
Classification: Likely benign. Last evaluated: 2024-07-03. Review status: criteria provided, single submitter. Criteria: Invitae Variant Classification Sherloc (09022015). Collection method: clinical testing. Allele origin: germline.

Department of Pathology and Laboratory Medicine, Sinai Health System
Classification: Likely benign for Hyperplastic polyposis syndrome. Last evaluated: 2023-10-12. Review status: criteria provided, single submitter. Criteria: ACMG Guidelines, 2015. Collection method: clinical testing. Allele origin: germline. Affected: yes.

NM_017763.6(RNF43):c.1029C>T (p.Arg343=)

Gene: RNF43 (ring finger protein 43; minus strand). Cytogenetic location: 17q22.
Variant type: single nucleotide variant.
Coding change: c.1029C>T on transcript NM_017763.6 (MANE Select); coding-DNA position 1029, C replaced by T.
Protein change: p.Arg343=; no amino-acid change (arginine 343 retained).
Molecular consequence: synonymous variant.
Genome position (GRCh38, 1-based): chr17:58,358,747, G>A on the plus strand (C>T on the coding strand, the complement: RNF43 is on the minus strand). VCF-style: chr17-58358747-G-A. GRCh37 (hg19) VCF-style: chr17-56436108-G-A.
Other names: c.1029C>T (NM_017763.4); c.1029C>T, p.Arg343= (NM_001305544.3); c.648C>T, p.Arg216= (NM_001305545.2).
Identifiers: ClinVar variation 1580269 (VCV001580269.10), dbSNP rs755684321, ClinGen allele CA8673243.
Genomic context (GRCh38, chr17:58,358,747, plus strand): 5'-CCGGGAAGGGCCCAACAGGTAGGCAGCAGGGAGGTGGTAGTGGGCATGGCCGGGATGCTG[G>A]CGAATGAGGTGGAGTCTTCGACCTGGTTCTTGGTAAGATCGAGAGGGTCCCAGGGACTGG-3'
Protein context (NP_060233.3, residues 333-353): QEPGRRLHLI[Arg343=]QHPGHAHYHL